The following is an entry in ClinVar:

NM_144687.4(NLRP12):c.1527C>A (p.Tyr509Ter)

Gene: NLRP12 (NLR family pyrin domain containing 12; minus strand). Cytogenetic location: 19q13.42.
Variant type: single nucleotide variant.
Coding change: c.1527C>A on transcript NM_144687.4 (MANE Select); coding-DNA position 1527, C replaced by A.
Protein change: p.Tyr509Ter; replaces tyrosine 509 with a stop codon.
Molecular consequence: nonsense.
Genome position (GRCh38, 1-based): chr19:53,810,132, G>T on the plus strand (C>A on the coding strand, the complement: NLRP12 is on the minus strand). VCF-style: chr19-53810132-G-T. GRCh37 (hg19) VCF-style: chr19-54313386-G-T.
Other names: c.1527C>A, p.Tyr509Ter (NM_001277126.2, NM_001277129.1); short protein forms Y509*.
Identifiers: ClinVar variation 3624609 (VCV003624609.2).

ClinVar aggregate classification (germline): Uncertain significance (1 of 4 stars; one submission).

Conditions:
Familial cold autoinflammatory syndrome 2 (FCAS2). Identifiers: Orphanet 247868, MedGen C2673198, MONDO:0012724, OMIM 611762.

gnomAD v4.1: 7 of 1,614,196 alleles (0.00043%); highest among the groups gnomAD compares: Middle Eastern, 0.033%; no homozygotes.

Submission:

Labcorp Genetics (formerly Invitae), Labcorp
Classification: Uncertain significance for Familial cold autoinflammatory syndrome 2. Last evaluated: 2024-04-16. Review status: criteria provided, single submitter. Criteria: Invitae Variant Classification Sherloc (09022015). Collection method: clinical testing. Allele origin: germline.
Comment: This sequence change creates a premature translational stop signal (p.Tyr509*) in the NLRP12 gene. It is expected to result in an absent or disrupted protein product. However, the current clinical and genetic evidence is not sufficient to establish whether loss-of-function variants in NLRP12 cause disease. This variant is present in population databases (rs775734961, gnomAD 0.003%). This variant has not been reported in the literature in individuals affected with NLRP12-related conditions. Algorithms developed to predict the effect of sequence changes on RNA splicing suggest that this variant may create or strengthen a splice site. In summary, the available evidence is currently insufficient to determine the role of this variant in disease. Therefore, it has been classified as a Variant of Uncertain Significance.